The following is an entry in ClinVar:

NM_173651.4(FSIP2):c.5575A>G (p.Met1859Val)

Genes: FSIP2 (fibrous sheath interacting protein 2; plus strand), FSIP2-AS1 (FSIP2 antisense RNA 1; minus strand). Cytogenetic location: 2q32.1.
Variant type: single nucleotide variant.
Coding change: c.5575A>G on transcript NM_173651.4 (MANE Select); coding-DNA position 5575, A replaced by G.
Protein change: p.Met1859Val; replaces methionine 1859 with valine.
Molecular consequence: missense variant.
Genome position (GRCh38, 1-based): chr2:185,792,711, A>G. VCF-style: chr2-185792711-A-G. GRCh37 (hg19) VCF-style: chr2-186657438-A-G.
Other names: c.5575A>G (NM_173651.3); short protein forms M1859V.
Identifiers: ClinVar variation 3097302 (VCV003097302.2), dbSNP rs747745391, ClinGen allele CA61749696.

ClinVar aggregate classification (germline): Uncertain significance. Review status: criteria provided, single submitter (1 of 4 stars). 2 submissions from 2 submitters: Uncertain significance (1). 1 of the submissions does not count toward it. Last evaluated 2023-12-15.

Conditions:
FSIP2-related disorder. Also called: FSIP2-related condition.

Allele frequency attached by ClinVar (database versions not stated): gnomAD exomes below 0.00001; gnomAD 0.00001; TOPMed 0.00001.

Submissions (2):

Ambry Genetics
Classification: Uncertain significance. Last evaluated: 2023-12-15. Review status: criteria provided, single submitter. Criteria: Ambry Variant Classification Scheme 2023. Collection method: clinical testing. Allele origin: germline.

PreventionGenetics, part of Exact Sciences
Classification: Uncertain significance for FSIP2-related condition. Last evaluated: 2024-06-05. Review status: no assertion criteria provided. Collection method: clinical testing. Allele origin: germline. Not counted in ClinVar's aggregate classification.
Comment: The FSIP2 c.5575A>G variant is predicted to result in the amino acid substitution p.Met1859Val. To our knowledge, this variant has not been reported in the literature. This variant is reported in 0.0041% of alleles in individuals of Latino descent in gnomAD. At this time, the clinical significance of this variant is uncertain due to the absence of conclusive functional and genetic evidence.